The following is an entry in ClinVar:

NC_000009.11:g.(?_37425909)_(37426661_?)del

Gene: GRHPR (glyoxylate and hydroxypyruvate reductase; plus strand). Cytogenetic location: 9p13.2.
Variant type: Deletion.
Identifiers: ClinVar variation 1069571 (VCV001069571.5).

ClinVar aggregate classification (germline): Pathogenic (1 of 4 stars; one submission).

Submission:

Labcorp Genetics (formerly Invitae), Labcorp
Classification: Pathogenic. Last evaluated: 2020-08-28. Review status: criteria provided, single submitter. Criteria: Invitae Variant Classification Sherloc (09022015). Collection method: clinical testing. Allele origin: germline.
Comment: For these reasons, this variant has been classified as Pathogenic. Loss-of-function variants in GRHPR are known to be pathogenic (PMID: 25644115). This variant has not been reported in the literature in individuals with GRHPR-related conditions. This variant is an out-of-frame deletion of the genomic region encompassing exon(s) 3-4 of the GRHPR gene. This is expected to create a premature translational stop signal and result in an absent or disrupted protein product.

Literature cited by the submitters: PubMed 25644115.